The following is an entry in ClinVar:

ClinVar aggregate classification (germline): Likely pathogenic (1 of 4 stars; one submission).

Conditions:
Neuronal ceroid lipofuscinosis 1 (CLN1). Also called: CEROID LIPOFUSCINOSIS, NEURONAL, 1, VARIABLE AGE AT ONSET; PPT1-Related Neuronal Ceroid-Lipofuscinosis. Identifiers: Orphanet 228329, MedGen C1850451, MONDO:0009744, OMIM 256730.

Submission:

Labcorp Genetics (formerly Invitae), Labcorp
Classification: Likely pathogenic for Neuronal ceroid lipofuscinosis 1. Last evaluated: 2023-03-12. Review status: criteria provided, single submitter. Criteria: Invitae Variant Classification Sherloc (09022015). Collection method: clinical testing. Allele origin: germline.
Comment: This variant has not been reported in the literature in individuals affected with PPT1-related conditions. In summary, the currently available evidence indicates that the variant is pathogenic, but additional data are needed to prove that conclusively. Therefore, this variant has been classified as Likely Pathogenic. This variant disrupts the p.Tyr109 amino acid residue in PPT1. Other variant(s) that disrupt this residue have been determined to be pathogenic (PMID: 9664077, 10191107, 11440996, 21990111). This suggests that this residue is clinically significant, and that variants that disrupt this residue are likely to be disease-causing. Advanced modeling of protein sequence and biophysical properties (such as structural, functional, and spatial information, amino acid conservation, physicochemical variation, residue mobility, and thermodynamic stability) performed at Invitae indicates that this missense variant is expected to disrupt PPT1 protein function. This variant is not present in population databases (gnomAD no frequency). This sequence change replaces tyrosine, which is neutral and polar, with serine, which is neutral and polar, at codon 109 of the PPT1 protein (p.Tyr109Ser).

Literature cited by the submitters: PubMed 9664077; PubMed 10191107; PubMed 11440996; PubMed 21990111.

NM_000310.4(PPT1):c.326A>C (p.Tyr109Ser)

Gene: PPT1 (palmitoyl-protein thioesterase 1; minus strand). Cytogenetic location: 1p34.2.
Variant type: single nucleotide variant.
Coding change: c.326A>C on transcript NM_000310.4 (MANE Select); coding-DNA position 326, A replaced by C.
Protein change: p.Tyr109Ser; replaces tyrosine 109 with serine.
Molecular consequence: missense variant. On other transcripts: intron variant (1).
Genome position (GRCh38, 1-based): chr1:40,092,081, T>G on the plus strand (A>C on the coding strand, the complement: PPT1 is on the minus strand). VCF-style: chr1-40092081-T-G. GRCh37 (hg19) VCF-style: chr1-40557753-T-G.
Other names: c.326A>C, p.Tyr109Ser (NM_001363695.2); c.125-2569A>C (NM_001142604.2); short protein forms Y109S.
Identifiers: ClinVar variation 2784262 (VCV002784262.3), dbSNP rs1228395356, ClinGen allele CA339849042.